The following is an entry in ClinVar:

ClinVar aggregate classification (germline): Conflicting classifications of pathogenicity. Review status: criteria provided, conflicting classifications (1 of 4 stars). 5 submissions from 5 submitters: Uncertain significance (3); Benign (1); Likely benign (1). Last evaluated 2026-03-06.

Conditions:
Hereditary cancer-predisposing syndrome. Also called: Tumor predisposition; Neoplastic Syndromes, Hereditary; Hereditary Cancer Syndrome; Hereditary neoplastic syndrome. Identifiers: Orphanet 140162, MedGen C0027672, MeSH D009386, MONDO:0015356.
Tuberous sclerosis 2 (TSC2). Identifiers: Orphanet 805, MedGen C1860707, MONDO:0013199, OMIM 613254.
Tuberous sclerosis syndrome (TSC). Also called: Tuberous Sclerosis Complex; Tuberous sclerosis. Identifiers: Orphanet 805, MedGen C0041341, MONDO:0001734.

Allele frequency attached by ClinVar (database versions not stated): TOPMed below 0.00001; gnomAD 0.00001.
gnomAD v4.1: 3 of 1,613,002 alleles (0.00019%); highest among the groups gnomAD compares: Non-Finnish European, 0.00017%; no homozygotes.

Submissions (5):

Ambry Genetics
Classification: Likely benign for Hereditary cancer-predisposing syndrome. Last evaluated: 2026-03-06. Review status: criteria provided, single submitter. Criteria: Ambry Variant Classification Scheme 2023. Collection method: clinical testing. Allele origin: germline.

Labcorp Genetics (formerly Invitae), Labcorp
Classification: Benign for Tuberous sclerosis 2. Last evaluated: 2025-06-11. Review status: criteria provided, single submitter. Criteria: Invitae Variant Classification Sherloc (09022015). Collection method: clinical testing. Allele origin: germline.

All of Us Research Program, National Institutes of Health
Classification: Uncertain significance for Tuberous sclerosis syndrome. Last evaluated: 2023-08-28. Review status: criteria provided, single submitter. Criteria: ACMG Guidelines, 2015. Collection method: clinical testing. Allele origin: germline. Inheritance: Autosomal dominant inheritance. Observed: 1 variant allele, 1 heterozygote.
Comment: This missense variant replaces lysine with asparagine at codon 967 of the TSC2 protein. Computational prediction suggests that this variant may not impact protein structure and function (internally defined REVEL score threshold <= 0.5, PMID: 27666373). To our knowledge, functional studies have not been reported for this variant. This variant has not been reported in individuals affected with TSC2-related disorders in the literature. This variant has not been identified in the general population by the Genome Aggregation Database (gnomAD). The available evidence is insufficient to determine the role of this variant in disease conclusively. Therefore, this variant is classified as a Variant of Uncertain Significance.

This study involves interpretation of variants in research participants for the purpose of population health screening. Participant phenotype was not available at the time of variant classification. Additional details can be found in publication PMID: 35346344, PMCID: PMC8962531

Genome-Nilou Lab
Classification: Uncertain significance for Tuberous sclerosis 2. Last evaluated: 2021-11-07. Review status: criteria provided, single submitter. Criteria: ACMG Guidelines, 2015. Collection method: clinical testing. Allele origin: germline. Affected: no.

Mayo Clinic Laboratories, Mayo Clinic
Classification: Uncertain significance. Last evaluated: 2019-04-07. Review status: criteria provided, single submitter. Criteria: ACMG Guidelines, 2015. Collection method: clinical testing. Allele origin: germline. Observed: 1 variant allele.

NM_000548.5(TSC2):c.2901G>T (p.Lys967Asn)

Gene: TSC2 (TSC complex subunit 2; plus strand). Cytogenetic location: 16p13.3.
Variant type: single nucleotide variant.
Coding change: c.2901G>T on transcript NM_000548.5 (MANE Select); coding-DNA position 2901, G replaced by T.
Protein change: p.Lys967Asn; replaces lysine 967 with asparagine.
Molecular consequence: missense variant. On other transcripts: intron variant (9).
Genome position (GRCh38, 1-based): chr16:2,077,661, G>T. VCF-style: chr16-2077661-G-T. GRCh37 (hg19) VCF-style: chr16-2127662-G-T.
Other names: c.2901G>T, p.Lys967Asn (NM_001114382.3); c.2837+1076G>T (NM_021055.3, NM_001370405.1, NM_001363528.2 and 2 more transcripts); c.2726+1076G>T (NM_001318827.2); c.2237+1076G>T (NM_001318831.2); c.2690+1076G>T (NM_001318829.2); c.2870+1076G>T (NM_001318832.2); short protein forms K967N.
Identifiers: ClinVar variation 821969 (VCV000821969.23), dbSNP rs1168031047, ClinGen allele CA394281176.